The following is an entry in ClinVar:

ClinVar aggregate classification (germline): Uncertain significance (1 of 4 stars; one submission).

Allele frequency attached by ClinVar (database versions not stated): TOPMed below 0.00001.

Submission:

GeneDx
Classification: Uncertain significance. Last evaluated: 2023-02-23. Review status: criteria provided, single submitter. Criteria: GeneDx Variant Classification Process June 2021. Collection method: clinical testing. Allele origin: germline. Affected: yes.
Comment: Not observed at significant frequency in large population cohorts (gnomAD); In silico analysis supports that this missense variant does not alter protein structure/function; Has not been previously published as pathogenic or benign to our knowledge

NM_001243133.2(NLRP3):c.2322G>T (p.Trp774Cys)

Gene: NLRP3 (NLR family pyrin domain containing 3; plus strand). Cytogenetic location: 1q44.
Variant type: single nucleotide variant.
Coding change: c.2322G>T on transcript NM_001243133.2 (MANE Select); coding-DNA position 2322, G replaced by T.
Protein change: p.Trp774Cys; replaces tryptophan 774 with cysteine.
Molecular consequence: missense variant. On other transcripts: synonymous variant (2).
Genome position (GRCh38, 1-based): chr1:247,434,103, G>T. VCF-style: chr1-247434103-G-T. GRCh37 (hg19) VCF-style: chr1-247597405-G-T.
Other names: c.2322G>T, p.Trp774Cys (NM_001079821.3, NM_001127461.3); c.2151G>T, p.Gly717= (NM_001127462.3, NM_183395.3); c.2328G>T, p.Trp776Cys (NM_004895.5); short protein forms W774C, W776C.
Identifiers: ClinVar variation 2577582 (VCV002577582.1), dbSNP rs1663598528, ClinGen allele CA345560821.